The following is an entry in ClinVar:

ClinVar aggregate classification (germline): Uncertain significance (1 of 4 stars; one submission).

gnomAD v4.1: 1 of 1,614,158 alleles (0.000062%); highest among the groups gnomAD compares: Non-Finnish European, 0.000085%; no homozygotes.

Submission:

CeGaT Center for Human Genetics Tuebingen
Classification: Uncertain significance. Last evaluated: 2024-10-01. Review status: criteria provided, single submitter. Criteria: CeGaT Center For Human Genetics Tuebingen Variant Classification Criteria Version 2. Collection method: clinical testing. Allele origin: germline. Affected: yes. Observed: 1 variant allele.
Comment: MED13L: PM2:Supporting, BP4

NM_015335.5(MED13L):c.2965C>A (p.Pro989Thr)

Gene: MED13L (mediator complex subunit 13L; minus strand). Cytogenetic location: 12q24.21.
Variant type: single nucleotide variant.
Coding change: c.2965C>A on transcript NM_015335.5 (MANE Select); coding-DNA position 2965, C replaced by A.
Protein change: p.Pro989Thr; replaces proline 989 with threonine.
Molecular consequence: missense variant.
Genome position (GRCh38, 1-based): chr12:115,996,507, G>T on the plus strand (C>A on the coding strand, the complement: MED13L is on the minus strand). VCF-style: chr12-115996507-G-T. GRCh37 (hg19) VCF-style: chr12-116434312-G-T.
Other names: short protein forms P989T.
Identifiers: ClinVar variation 3389949 (VCV003389949.14).